The following is an entry in ClinVar:

ClinVar aggregate classification (germline): Likely pathogenic (1 of 4 stars; one submission).

Conditions:
Spastic paraplegia. Identifiers: MedGen C0037772, HP:0001258.

Submission:

Labcorp Genetics (formerly Invitae), Labcorp
Classification: Likely pathogenic for Spastic paraplegia. Last evaluated: 2021-01-06. Review status: criteria provided, single submitter. Criteria: Invitae Variant Classification Sherloc (09022015). Collection method: clinical testing. Allele origin: germline.
Comment: Advanced modeling of protein sequence and biophysical properties (such as structural, functional, and spatial information, amino acid conservation, physicochemical variation, residue mobility, and thermodynamic stability) performed at Invitae indicates that this missense variant is expected to disrupt SACS protein function. In summary, the currently available evidence indicates that the variant is pathogenic, but additional data are needed to prove that conclusively. Therefore, this variant has been classified as Likely Pathogenic. This sequence change replaces serine with proline at codon 2640 of the SACS protein (p.Ser2640Pro). The serine residue is moderately conserved and there is a moderate physicochemical difference between serine and proline. This variant is not present in population databases (ExAC no frequency). This variant has been observed in individual(s) with clinical features of hereditary spastic paraplegia (Invitae). In at least one individual the data is consistent with the variant being in trans (on the opposite chromosome) from a pathogenic variant.

NM_014363.6(SACS):c.7918T>C (p.Ser2640Pro)

Gene: SACS (sacsin molecular chaperone; minus strand). Cytogenetic location: 13q12.12.
Variant type: single nucleotide variant.
Coding change: c.7918T>C on transcript NM_014363.6 (MANE Select); coding-DNA position 7918, T replaced by C.
Protein change: p.Ser2640Pro; replaces serine 2640 with proline.
Molecular consequence: missense variant.
Genome position (GRCh38, 1-based): chr13:23,335,958, A>G on the plus strand (T>C on the coding strand, the complement: SACS is on the minus strand). VCF-style: chr13-23335958-A-G. GRCh37 (hg19) VCF-style: chr13-23910097-A-G.
Other names: c.7477T>C, p.Ser2493Pro (NM_001278055.2); short protein forms S2493P, S2640P.
Identifiers: ClinVar variation 1066849 (VCV001066849.9), dbSNP rs2137596408, ClinGen allele CA387517781.